The following is an entry in ClinVar:

ClinVar aggregate classification (germline): Likely benign (1 of 4 stars; one submission).

Conditions:
Lung cancer. Also called: Lung cancer, somatic; Malignant tumor of lung. Identifiers: MedGen C0242379, MONDO:0008903, OMIM 211980.

Submission:

Myriad Genetics, Inc.
Classification: Likely benign for Lung cancer. Last evaluated: 2024-10-16. Review status: criteria provided, single submitter. Criteria: Myriad Autosomal Dominant, Autosomal Recessive and X-Linked Classification Criteria (2023). Collection method: clinical testing. Allele origin: unknown.
Comment: This variant is considered likely benign. This variant is intronic and is not expected to impact mRNA splicing.

NM_005228.5(EGFR):c.2185-19C>T

Gene: EGFR (epidermal growth factor receptor; plus strand). Cytogenetic location: 7p11.2.
Variant type: single nucleotide variant.
Coding change: c.2185-19C>T on transcript NM_005228.5 (MANE Select); 19 bases into the intron before coding-DNA position 2185, C replaced by T.
Molecular consequence: intron variant.
Genome position (GRCh38, 1-based): chr7:55,174,703, C>T. VCF-style: chr7-55174703-C-T. GRCh37 (hg19) VCF-style: chr7-55242396-C-T.
Other names: c.2050-19C>T (NM_001346899.2, NM_001346897.2); c.1384-19C>T (NM_001346941.2); c.2185-19C>T (NM_001346898.2); c.2026-19C>T (NM_001346900.2).
Identifiers: ClinVar variation 3773430 (VCV003773430.1).
Genomic context (GRCh38, chr7:55,174,703, plus strand): 5'-CATCCACCCAGATCACTGGGCAGCATGTGGCACCATCTCACAATTGCCAGTTAACGTCTT[C>T]CTTCTCTCTCTGTCATAGGGACTCTGGATCCCAGAAGGTGAGAAAGTTAAAATTCCCGTC-3'